The following is an entry in ClinVar:

NM_000051.4(ATM):c.7465_7466del (p.Ser2489fs)

Genes: ATM (ATM serine/threonine kinase; plus strand), C11orf65 (chromosome 11 open reading frame 65; minus strand). Cytogenetic location: 11q22.3.
Variant type: Deletion.
Coding change: c.7465_7466del on transcript NM_000051.4 (MANE Select); coding-DNA positions 7465 to 7466, 2 bases deleted (TC; older notation c.7465_7466delTC).
Protein change: p.Ser2489fs; shifts the reading frame from serine 2489.
Molecular consequence: frameshift variant. On other transcripts: intron variant (2).
Genome position (GRCh38, 1-based): chr11:108,330,371-108,330,372, TC deleted. VCF-style (leftmost placement, unchanged base first): chr11-108330370-TTC-T. GRCh37 (hg19) VCF-style: chr11-108201097-TTC-T.
Other names: c.7465_7466del, p.Ser2489fs (NM_001351834.2); c.641-21301_641-21300del (NM_001330368.2); c.*38+4848_*38+4849del (NM_001351110.2); short protein forms S2489fs.
Identifiers: ClinVar variation 187439 (VCV000187439.7), dbSNP rs786203734, ClinGen allele CA197654.

ClinVar aggregate classification (germline): Pathogenic. Review status: criteria provided, multiple submitters, no conflicts (2 of 4 stars). 2 submissions from 2 submitters: Pathogenic (2). Last evaluated 2024-01-31.

Conditions:
Hereditary cancer-predisposing syndrome. Also called: Hereditary Cancer Syndrome; Tumor predisposition; Neoplastic Syndromes, Hereditary; Hereditary neoplastic syndrome. Identifiers: Orphanet 140162, MedGen C0027672, MeSH D009386, MONDO:0015356.
Familial cancer of breast. Also called: hereditary breast carcinoma; BREAST CANCER, FAMILIAL; Hereditary breast cancer. Identifiers: Orphanet 227535, MedGen C0346153, MONDO:0016419, OMIM 114480. Disease mechanism: loss of function.

Submissions (2):

Myriad Genetics, Inc.
Classification: Pathogenic for Familial cancer of breast. Last evaluated: 2024-01-31. Review status: criteria provided, single submitter. Criteria: Myriad Autosomal Dominant, Autosomal Recessive and X-Linked Classification Criteria (2023). Collection method: clinical testing. Allele origin: unknown.
Comment: This variant is considered pathogenic. This variant creates a frameshift predicted to result in premature protein truncation.

Ambry Genetics
Classification: Pathogenic for Hereditary cancer-predisposing syndrome. Last evaluated: 2014-12-23. Review status: criteria provided, single submitter. Criteria: Ambry Variant Classification Scheme 2023. Collection method: clinical testing. Allele origin: germline.
Comment: The c.7465_7466delTC (also known as p.S2489Pfs*4) pathogenic mutation, located in coding exon 49 of the ATM gene, results from a deletion of two nucleotides between positions 7465 and 7466, causing a translational frameshift with a predicted alternate stop codon. Since frameshifts are typically deleterious in nature, this alteration is interpreted as a disease-causing mutation (ACMG Recommendations for Standards for Interpretation and Reporting of Sequence Variations. Revision 2007. Genet Med. 2008;10:294).